The following is an entry in ClinVar:

NM_144643.4(SCLT1):c.900A>G (p.Gln300=)

Gene: SCLT1 (sodium channel and clathrin linker 1; minus strand). Cytogenetic location: 4q28.2.
Variant type: single nucleotide variant.
Coding change: c.900A>G on transcript NM_144643.4 (MANE Select); coding-DNA position 900, A replaced by G.
Protein change: p.Gln300=; no amino-acid change (glutamine 300 retained).
Molecular consequence: synonymous variant.
Genome position (GRCh38, 1-based): chr4:128,959,747, T>C on the plus strand (A>G on the coding strand, the complement: SCLT1 is on the minus strand). VCF-style: chr4-128959747-T-C. GRCh37 (hg19) VCF-style: chr4-129880902-T-C.
Other names: c.900A>G (NM_144643.3).
Identifiers: ClinVar variation 1546884 (VCV001546884.11), dbSNP rs138757017, ClinGen allele CA3079782.

ClinVar aggregate classification (germline): Benign/Likely benign. Review status: criteria provided, multiple submitters, no conflicts (2 of 4 stars). 4 submissions from 4 submitters: Benign (2); Likely benign (2). Last evaluated 2025-11-28.

Conditions:
SCLT1-related disorder. Also called: SCLT1-related condition.

Allele frequency attached by ClinVar (database versions not stated): 1000 Genomes Project 30x 0.00016; TOPMed 0.00018; gnomAD 0.00019; 1000 Genomes Project 0.00020; ExAC 0.00021; gnomAD exomes 0.00021 and 0.00033; ESP Exome Variant Server 0.00031.
gnomAD v4.1: 342 of 1,613,520 alleles (0.021%); highest among the groups gnomAD compares: Middle Eastern, 0.017%; 1 homozygote.

Submissions (4):

Labcorp Genetics (formerly Invitae), Labcorp
Classification: Benign. Last evaluated: 2025-11-28. Review status: criteria provided, single submitter. Criteria: Invitae Variant Classification Sherloc (09022015). Collection method: clinical testing. Allele origin: germline.

PreventionGenetics, part of Exact Sciences
Classification: Likely benign for SCLT1-related condition. Last evaluated: 2025-07-02. Review status: criteria provided, single submitter. Criteria: ACMG Guidelines, 2015. Collection method: clinical testing. Allele origin: germline.
Comment: This variant is classified as likely benign based on ACMG/AMP sequence variant interpretation guidelines (Richards et al. 2015 PMID: 25741868, with internal and published modifications).

Blueprint Genetics
Classification: Likely benign. Last evaluated: 2024-07-25. Review status: criteria provided, single submitter. Criteria: ACMG Guidelines, 2015. Collection method: clinical testing. Allele origin: germline.

Breakthrough Genomics
Classification: Benign. Review status: criteria provided, single submitter. Criteria: ACMG Guidelines, 2015. Collection method: not provided. Allele origin: germline. Inheritance: Unknown mechanism. Affected: yes.